The following is an entry in ClinVar:

ClinVar aggregate classification (germline): Uncertain significance. Review status: criteria provided, multiple submitters, no conflicts (2 of 4 stars). 2 submissions from 2 submitters: Uncertain significance (2). Last evaluated 2021-09-21.

Conditions:
Hereditary cancer-predisposing syndrome. Also called: Tumor predisposition; Hereditary neoplastic syndrome; Neoplastic Syndromes, Hereditary; Hereditary Cancer Syndrome. Identifiers: Orphanet 140162, MedGen C0027672, MeSH D009386, MONDO:0015356.

Submissions (2):

Ambry Genetics
Classification: Uncertain significance for Hereditary cancer-predisposing syndrome. Last evaluated: 2021-09-21. Review status: criteria provided, single submitter. Criteria: Ambry Variant Classification Scheme 2023. Collection method: clinical testing. Allele origin: germline.
Comment: The p.A1149S variant (also known as c.3445G>T), located in coding exon 28 of the POLE gene, results from a G to T substitution at nucleotide position 3445. The alanine at codon 1149 is replaced by serine, an amino acid with similar properties. This amino acid position is conserved. In addition, the in silico prediction for this alteration is inconclusive. Since supporting evidence is limited at this time, the clinical significance of this alteration remains unclear.

Labcorp Genetics (formerly Invitae), Labcorp
Classification: Uncertain significance. Last evaluated: 2019-02-27. Review status: criteria provided, single submitter. Criteria: Invitae Variant Classification Sherloc (09022015). Collection method: clinical testing. Allele origin: germline.
Comment: In summary, the available evidence is currently insufficient to determine the role of this variant in disease. Therefore, it has been classified as a Variant of Uncertain Significance. Algorithms developed to predict the effect of missense changes on protein structure and function (SIFT, PolyPhen-2, Align-GVGD) all suggest that this variant is likely to be disruptive, but these predictions have not been confirmed by published functional studies and their clinical significance is uncertain. This variant has not been reported in the literature in individuals with POLE-related conditions. This variant is not present in population databases (ExAC no frequency). This sequence change replaces alanine with serine at codon 1149 of the POLE protein (p.Ala1149Ser). The alanine residue is highly conserved and there is a moderate physicochemical difference between alanine and serine.

NM_006231.4(POLE):c.3445G>T (p.Ala1149Ser)

Gene: POLE (DNA polymerase epsilon, catalytic subunit; minus strand). Cytogenetic location: 12q24.33.
Variant type: single nucleotide variant.
Coding change: c.3445G>T on transcript NM_006231.4 (MANE Select); coding-DNA position 3445, G replaced by T.
Protein change: p.Ala1149Ser; replaces alanine 1149 with serine.
Molecular consequence: missense variant.
Genome position (GRCh38, 1-based): chr12:132,657,363, C>A on the plus strand (G>T on the coding strand, the complement: POLE is on the minus strand). VCF-style: chr12-132657363-C-A. GRCh37 (hg19) VCF-style: chr12-133233949-C-A.
Other names: short protein forms A1149S.
Identifiers: ClinVar variation 858264 (VCV000858264.12), dbSNP rs2042567907, ClinGen allele CA387388995.